The following is an entry in ClinVar:

NM_001267550.2(TTN):c.33826+2T>C

Gene: TTN (titin; minus strand). Cytogenetic location: 2q31.2.
Variant type: single nucleotide variant.
Coding change: c.33826+2T>C on transcript NM_001267550.2 (MANE Select); the canonical splice donor site of the intron after coding-DNA position 33826, T replaced by C.
Molecular consequence: splice donor variant. On other transcripts: intron variant (3).
Genome position (GRCh38, 1-based): chr2:178,678,745, A>G on the plus strand (T>C on the coding strand, the complement: TTN is on the minus strand). VCF-style: chr2-178678745-A-G. GRCh37 (hg19) VCF-style: chr2-179543472-A-G.
Other names: c.13283-36428T>C (NM_003319.4); c.13859-36428T>C (NM_133437.4); c.13658-36428T>C (NM_133432.3); c.30094+2T>C (NM_133378.4); c.32875+2T>C (NM_001256850.1).
Identifiers: ClinVar variation 3757037 (VCV003757037.3).

ClinVar aggregate classification (germline): Conflicting classifications of pathogenicity. Review status: criteria provided, conflicting classifications (1 of 4 stars). 2 submissions from 2 submitters: Likely pathogenic (1); Uncertain significance (1). Last evaluated 2025-01-23.

Conditions:
Dilated cardiomyopathy 1G (CMD1G). Identifiers: Orphanet 154, MedGen C1858763, MONDO:0011400, OMIM 604145.
Autosomal recessive limb-girdle muscular dystrophy type 2J (LGMDR10). Also called: Limb-girdle muscular dystrophy, type 2J; MUSCULAR DYSTROPHY, LIMB-GIRDLE, AUTOSOMAL RECESSIVE 10. Identifiers: Orphanet 140922, MedGen C1837342, MONDO:0012127, OMIM 608807.

gnomAD v4.1: 2 of 1,601,222 alleles (0.00012%); highest among the groups gnomAD compares: Non-Finnish European, 0.00017%; no homozygotes.

Submissions (2):

Labcorp Genetics (formerly Invitae), Labcorp
Classification: Likely pathogenic for Dilated cardiomyopathy 1G; Autosomal recessive limb-girdle muscular dystrophy type 2J. Last evaluated: 2025-01-23. Review status: criteria provided, single submitter. Criteria: Invitae Variant Classification Sherloc (09022015). Collection method: clinical testing. Allele origin: germline.
Comment: This sequence change affects a donor splice site in intron 143 of the TTN gene. It is expected to disrupt RNA splicing and likely results in a truncated or disrupted TTN protein. This variant is not present in population databases (gnomAD no frequency). This variant has not been reported in the literature in individuals affected with TTN-related conditions. Algorithms developed to predict the effect of sequence changes on RNA splicing suggest that this variant may disrupt the consensus splice site. This variant is located in the I band of TTN (PMID: 25589632). Truncating variants in this region have been reported in individuals affected with autosomal recessive centronuclear myopathy (PMID: 23975875, internal data). Truncating variants in this region have also been identified in individuals affected with autosomal dominant dilated cardiomyopathy and/or cardio-related conditions (PMID: 27869827, 32964742, internal data). In summary, the currently available evidence indicates that the variant is pathogenic, but additional data are needed to prove that conclusively. Therefore, this variant has been classified as Likely Pathogenic.

Blueprint Genetics
Classification: Uncertain significance. Last evaluated: 2024-07-25. Review status: criteria provided, single submitter. Criteria: ACMG Guidelines, 2015. Collection method: clinical testing. Allele origin: germline.

Literature cited by the submitters: PubMed 25589632 (cited by Labcorp Genetics (formerly Invitae), Labcorp); PubMed 23975875 (cited by Labcorp Genetics (formerly Invitae), Labcorp); PubMed 27869827 (cited by Labcorp Genetics (formerly Invitae), Labcorp); PubMed 32964742 (cited by Labcorp Genetics (formerly Invitae), Labcorp).